The following is an entry in ClinVar:

NM_080424.4(SP110):c.1447+1G>A

Gene: SP110 (SP110 nuclear body protein; minus strand). Cytogenetic location: 2q37.1.
Variant type: single nucleotide variant.
Coding change: c.1447+1G>A on transcript NM_080424.4 (MANE Select); the canonical splice donor site of the intron after coding-DNA position 1447, G replaced by A.
Molecular consequence: splice donor variant.
Genome position (GRCh38, 1-based): chr2:230,178,156, C>T on the plus strand (G>A on the coding strand, the complement: SP110 is on the minus strand). VCF-style: chr2-230178156-C-T. GRCh37 (hg19) VCF-style: chr2-231042872-C-T.
Other names: c.1465+1G>A (NM_001378446.1, NM_001378445.1, NM_001378442.1 and 2 more transcripts); c.1447+1G>A (NM_004509.5, NM_001378443.1, NM_004510.4); c.1297+1G>A (NM_001378447.1).
Identifiers: ClinVar variation 3666632 (VCV003666632.2).

ClinVar aggregate classification (germline): Likely pathogenic (1 of 4 stars; one submission).

Conditions:
Hepatic veno-occlusive disease-immunodeficiency syndrome. Also called: Hepatic Veno-Occlusive Disease with Immunodeficiency. Identifiers: Orphanet 79124, MedGen C1856128, MONDO:0009338, OMIM 235550. Disease mechanism: loss of function.

gnomAD v4.1: 1 of 1,586,482 alleles (0.000063%); highest among the groups gnomAD compares: Non-Finnish European, 0.000087%; no homozygotes.

Submission:

Labcorp Genetics (formerly Invitae), Labcorp
Classification: Likely pathogenic for Hepatic veno-occlusive disease-immunodeficiency syndrome. Last evaluated: 2024-11-10. Review status: criteria provided, single submitter. Criteria: Invitae Variant Classification Sherloc (09022015). Collection method: clinical testing. Allele origin: germline.
Comment: This sequence change affects a donor splice site in intron 13 of the SP110 gene. It is expected to disrupt RNA splicing. Variants that disrupt the donor or acceptor splice site typically lead to a loss of protein function (PMID: 16199547), and loss-of-function variants in SP110 are known to be pathogenic (PMID: 16648851, 22621957). This variant is not present in population databases (gnomAD no frequency). This variant has not been reported in the literature in individuals affected with SP110-related conditions. Algorithms developed to predict the effect of sequence changes on RNA splicing suggest that this variant may disrupt the consensus splice site. In summary, the currently available evidence indicates that the variant is pathogenic, but additional data are needed to prove that conclusively. Therefore, this variant has been classified as Likely Pathogenic.

Literature cited by the submitters: PubMed 16199547; PubMed 16648851; PubMed 22621957.